The following is an entry in ClinVar:

ClinVar aggregate classification (germline): Uncertain significance (1 of 4 stars; one submission).

Conditions:
Hereditary cancer-predisposing syndrome. Also called: Neoplastic Syndromes, Hereditary; Tumor predisposition; Hereditary neoplastic syndrome; Hereditary Cancer Syndrome. Identifiers: Orphanet 140162, MedGen C0027672, MeSH D009386, MONDO:0015356.

Submission:

Ambry Genetics
Classification: Uncertain significance for Hereditary cancer-predisposing syndrome. Last evaluated: 2026-07-07. Review status: criteria provided, single submitter. Criteria: Ambry Variant Classification Scheme 2023. Collection method: clinical testing. Allele origin: germline.
Comment: The p.I143M variant (also known as c.429A>G), located in coding exon 4 of the BMPR1A gene, results from an A to G substitution at nucleotide position 429. The isoleucine at codon 143 is replaced by methionine, an amino acid with highly similar properties. This amino acid position is conserved. In addition, this alteration is predicted to be tolerated by in silico analysis. Based on the available evidence, the clinical significance of this variant remains unclear.

NM_004329.3(BMPR1A):c.429A>G (p.Ile143Met)

Gene: BMPR1A (bone morphogenetic protein receptor type 1A; plus strand). Cytogenetic location: 10q23.2.
Variant type: single nucleotide variant.
Coding change: c.429A>G on transcript NM_004329.3 (MANE Select); coding-DNA position 429, A replaced by G.
Protein change: p.Ile143Met; replaces isoleucine 143 with methionine.
Molecular consequence: missense variant. On other transcripts: non-coding transcript variant (3), intron variant (1).
Genome position (GRCh38, 1-based): chr10:86,899,889, A>G. VCF-style: chr10-86899889-A-G. GRCh37 (hg19) VCF-style: chr10-88659646-A-G.
Other names: c.345A>G, p.Ile115Met (NM_001406584.1, NM_001406585.1, NM_001406586.1 and 2 more transcripts); c.429A>G, p.Ile143Met (NM_001406573.1, NM_001406574.1, NM_001406575.1 and 22 more transcripts); c.333+7660A>G (NM_001406589.1); short protein forms I115M, I143M.
Identifiers: ClinVar variation 5032997 (VCV005032997.1).